The following is an entry in ClinVar:

ClinVar aggregate classification (germline): Uncertain significance (1 of 4 stars; one submission).

Conditions:
Jeune thoracic dystrophy. Also called: Jeune syndrome; Infantile thoracic dystrophy; Thoracic pelvic phalangeal dystrophy; Jeune's syndrome; Chondroectodermal dysplasia-like syndrome; Short-rib thoracic dysplasia. Identifiers: Orphanet 474, MedGen C0265275, MONDO:0018770.

Allele frequency attached by ClinVar (database versions not stated): gnomAD exomes 0.00001.
gnomAD v4.1: 3 of 1,611,894 alleles (0.00019%); highest among the groups gnomAD compares: Admixed American, 0.005%; no homozygotes.

Submission:

Labcorp Genetics (formerly Invitae), Labcorp
Classification: Uncertain significance for Jeune thoracic dystrophy. Last evaluated: 2024-10-21. Review status: criteria provided, single submitter. Criteria: Invitae Variant Classification Sherloc (09022015). Collection method: clinical testing. Allele origin: germline.
Comment: This sequence change replaces glycine, which is neutral and non-polar, with arginine, which is basic and polar, at codon 2648 of the DYNC2H1 protein (p.Gly2648Arg). This variant is present in population databases (no rsID available, gnomAD 0.006%). This variant has not been reported in the literature in individuals affected with DYNC2H1-related conditions. ClinVar contains an entry for this variant (Variation ID: 1386638). Invitae Evidence Modeling of protein sequence and biophysical properties (such as structural, functional, and spatial information, amino acid conservation, physicochemical variation, residue mobility, and thermodynamic stability) has been performed for this missense variant. However, the output from this modeling did not meet the statistical confidence thresholds required to predict the impact of this variant on DYNC2H1 protein function. In summary, the available evidence is currently insufficient to determine the role of this variant in disease. Therefore, it has been classified as a Variant of Uncertain Significance.

NM_001377.3(DYNC2H1):c.7942G>A (p.Gly2648Arg)

Gene: DYNC2H1 (dynein cytoplasmic 2 heavy chain 1; plus strand). Cytogenetic location: 11q22.3.
Variant type: single nucleotide variant.
Coding change: c.7942G>A on transcript NM_001377.3 (MANE Select); coding-DNA position 7942, G replaced by A.
Protein change: p.Gly2648Arg; replaces glycine 2648 with arginine.
Molecular consequence: missense variant.
Genome position (GRCh38, 1-based): chr11:103,199,330, G>A. VCF-style: chr11-103199330-G-A. GRCh37 (hg19) VCF-style: chr11-103070059-G-A.
Other names: c.7942G>A, p.Gly2648Arg (NM_001080463.2); short protein forms G2648R.
Identifiers: ClinVar variation 1386638 (VCV001386638.6), dbSNP rs1486830954, ClinGen allele CA382256432.